The following is an entry in ClinVar:

NM_000059.4(BRCA2):c.1644G>A (p.Gln548=)

Gene: BRCA2 (BRCA2 DNA repair associated; plus strand). Cytogenetic location: 13q13.1.
Variant type: single nucleotide variant.
Coding change: c.1644G>A on transcript NM_000059.4 (MANE Select); coding-DNA position 1644, G replaced by A.
Protein change: p.Gln548=; no amino-acid change (glutamine 548 retained).
Molecular consequence: synonymous variant.
Genome position (GRCh38, 1-based): chr13:32,333,122, G>A. VCF-style: chr13-32333122-G-A. GRCh37 (hg19) VCF-style: chr13-32907259-G-A.
Other names: Q548Q.
Identifiers: ClinVar variation 51164 (VCV000051164.31), dbSNP rs55986646, ClinGen allele CA012743.
Genomic context (GRCh38, chr13:32,333,122, plus strand): 5'-CTTTAAAAAAGAAACTGAAGCCTCTGAAAGTGGACTGGAAATACATACTGTTTGCTCACA[G>A]AAGGAGGACTCCTTATGTCCAAATTTAATTGATAATGGAAGCTGGCCAGCCACCACCACA-3'
Protein context (NP_000050.3, residues 538-558): SGLEIHTVCS[Gln548=]KEDSLCPNLI

ClinVar aggregate classification (germline): Benign. Review status: reviewed by expert panel (3 of 4 stars). 13 submissions from 13 submitters: Benign (1). 12 of the submissions do not count toward it. Last evaluated 2017-06-29.

Conditions:
BRCA2-related disorder. Also called: BRCA2-related condition; BRCA2-related disorders. Identifiers: MedGen CN239275.
Hereditary cancer-predisposing syndrome. Also called: Tumor predisposition; Neoplastic Syndromes, Hereditary; Hereditary neoplastic syndrome; Hereditary Cancer Syndrome. Identifiers: Orphanet 140162, MedGen C0027672, MeSH D009386, MONDO:0015356.
Hereditary breast ovarian cancer syndrome. Also called: Hereditary breast and ovarian cancer; BRCA1- and BRCA2-Associated Hereditary Breast and Ovarian Cancer; Hereditary breast and/or ovarian cancer syndrome; Hereditary breast and ovarian cancer syndrome; Breast and ovarian cancer; Hereditary breast and ovarian cancer syndrome (HBOC). Identifiers: Orphanet 145, MedGen C0677776, MeSH D061325, MONDO:0003582. Disease mechanism: loss of function.
Breast-ovarian cancer, familial, susceptibility to, 2 (BROVCA2). Also called: BRCA2 Hereditary Breast and Ovarian Cancer. Identifiers: Orphanet 145, MedGen C2675520, MONDO:0012933, OMIM 612555. Disease mechanism: loss of function.

Allele frequency attached by ClinVar (database versions not stated): gnomAD exomes 0.00005 and 0.00025; gnomAD 0.00007; TOPMed 0.00010; 1000 Genomes Project 30x 0.00016; 1000 Genomes Project 0.00020; ExAC 0.00023.

Submissions (13):

Evidence-based Network for the Interpretation of Germline Mutant Alleles (ENIGMA)
Classification: Benign for Breast-ovarian cancer, familial, susceptibility to, 2. Last evaluated: 2017-06-29. Review status: reviewed by expert panel. Criteria: ENIGMA BRCA1/2 Classification Criteria (2017-06-29). Collection method: curation. Allele origin: germline.
Comment: Synonymous substitution variant, with low bioinformatic likelihood to alter mRNA splicing (splicing prior 0.02) and frequency 0.0032 (East Asian), derived from ExAC (2014-12-17).

Labcorp Genetics (formerly Invitae), Labcorp
Classification: Benign for Hereditary breast ovarian cancer syndrome. Last evaluated: 2026-02-03. Review status: criteria provided, single submitter. Criteria: Invitae Variant Classification Sherloc (09022015). Collection method: clinical testing. Allele origin: germline. Not counted in ClinVar's aggregate classification.

ARUP Laboratories, Molecular Genetics and Genomics, ARUP Laboratories
Classification: Benign. Last evaluated: 2025-06-02. Review status: criteria provided, single submitter. Criteria: ARUP Molecular Germline Variant Investigation Process 2024. Collection method: clinical testing. Allele origin: germline. Not counted in ClinVar's aggregate classification.

Center for Genomic Medicine, Rigshospitalet, Copenhagen University Hospital
Classification: Benign. Last evaluated: 2025-03-04. Review status: criteria provided, single submitter. Criteria: ACMG Guidelines, 2015. Collection method: clinical testing. Allele origin: germline. Not counted in ClinVar's aggregate classification.

Blueprint Genetics
Classification: Likely benign. Last evaluated: 2024-09-12. Review status: criteria provided, single submitter. Criteria: ACMG Guidelines, 2015. Collection method: clinical testing. Allele origin: germline. Not counted in ClinVar's aggregate classification.

All of Us Research Program, National Institutes of Health
Classification: Benign for Breast-ovarian cancer, familial, susceptibility to, 2. Last evaluated: 2023-12-13. Review status: criteria provided, single submitter. Criteria: ACMG Guidelines, 2015. Collection method: clinical testing. Allele origin: germline. Inheritance: Autosomal dominant inheritance. Observed: 15 variant alleles, 15 heterozygotes. Not counted in ClinVar's aggregate classification.
Comment: This study involves interpretation of variants in research participants for the purpose of population health screening. Participant phenotype was not available at the time of variant classification. Additional details can be found in publication PMID: 35346344, PMCID: PMC8962531

Sema4
Classification: Likely benign for Hereditary cancer-predisposing syndrome. Last evaluated: 2022-01-14. Review status: criteria provided, single submitter. Criteria: Sema4 Curation Guidelines. Collection method: curation. Allele origin: germline. Not counted in ClinVar's aggregate classification.

Women's Health and Genetics/Laboratory Corporation of America, LabCorp
Classification: Benign. Last evaluated: 2019-05-02. Review status: criteria provided, single submitter. Criteria: LabCorp Variant Classification Summary - May 2015. Collection method: clinical testing. Allele origin: germline. Not counted in ClinVar's aggregate classification.
Comment: Variant summary: BRCA2 c.1644G>A alters a non-conserved nucleotide resulting in a synonymous change. 5/5 computational tools predict no significant impact on normal splicing. However, these predictions have yet to be confirmed by functional studies. The variant allele was found at a frequency of 0.00024 in 274202 control chromosomes, predominantly at a frequency of 0.0034 within the East Asian subpopulation in the gnomAD database. The observed variant frequency within East Asian control individuals in the gnomAD database is approximately 5 fold of the estimated maximal expected allele frequency for a pathogenic variant in BRCA2 causing Hereditary Breast and Ovarian Cancer phenotype (0.00075), strongly suggesting that the variant is a benign polymorphism found primarily in populations of East Asian origin. c.1644G>A has been reported in the literature in individuals with personal and/or family history of Hereditary Breast and Ovarian Cancer (Hwang_2017, Trujillano_2015, Thirthagiri_2008, Suter_2004). These reports do not provide unequivocal conclusions about association of the variant with Hereditary Breast and Ovarian Cancer. Co-occurrences with a pathogenic variant have been reported (BRCA2 c.1212delT, p.Asn404Lysfs*26; UMD), providing supporting evidence for a benign role. To our knowledge, no experimental evidence demonstrating an impact on protein function has been reported. Four ClinVar submitters including an expert panel (ENIGMA) (evaluation after 2014) cite the variant as benign. Based on the evidence outlined above, the variant was classified as benign.

Color Diagnostics, LLC DBA Color Health
Classification: Benign for Hereditary cancer-predisposing syndrome. Last evaluated: 2015-11-30. Review status: criteria provided, single submitter. Criteria: ACMG Guidelines, 2015. Collection method: clinical testing. Allele origin: germline. Not counted in ClinVar's aggregate classification.

Ambry Genetics
Classification: Likely benign for Hereditary cancer-predisposing syndrome. Last evaluated: 2014-12-10. Review status: criteria provided, single submitter. Criteria: Ambry Variant Classification Scheme 2023. Collection method: clinical testing. Allele origin: germline. Not counted in ClinVar's aggregate classification.

PreventionGenetics, part of Exact Sciences
Classification: Likely benign for BRCA2-related condition. Last evaluated: 2019-07-02. Review status: no assertion criteria provided. Collection method: clinical testing. Allele origin: germline. Not counted in ClinVar's aggregate classification.
Comment: This variant is classified as likely benign based on ACMG/AMP sequence variant interpretation guidelines (Richards et al. 2015 PMID: 25741868, with internal and published modifications).

Breast Cancer Information Core (BIC) (BRCA2)
Classification: Benign for Breast-ovarian cancer, familial 2. Last evaluated: 2010-09-18. Review status: no assertion criteria provided. Collection method: clinical testing. Allele origin: germline. Affected: yes. Observed: 1 variant allele. Not counted in ClinVar's aggregate classification.

Department of Pathology and Laboratory Medicine, Sinai Health System
Classification: Benign for Breast-ovarian cancer, familial, susceptibility to, 2. Review status: no assertion criteria provided. Collection method: clinical testing. Allele origin: unknown. Affected: yes. Study: The Canadian Open Genetics Repository (COGR). Not counted in ClinVar's aggregate classification.
Comment: The BRCA2 p.Gln548Gln variant was identified in the literature in one Chinese family with hereditary breast and ovarian cancer (Thirthagiri 2008); however, control chromosomes from healthy individuals were not evaluated in this study. The variant was also identified in dbSNP (ID: rs rs55986646) â€šÃ„ÃºWith likely benign alleleâ€šÃ„Ã¹, in the 1000 Genomes Project, in 1 of 5000 chromosomes (frequency 0.0002). It was also identified in the Exome Aggregation Consortium (ExAC) database (January 13, 2015) in 28 of 121014 chromosomes (frequency: 0.0002) (or 28 individuals from a population of 8644 East Asian individuals (frequency: 0.003)), and not from European (Non-Finnish)/African/Latino/South Asian/European (Finnish) or other individuals; the Clinvitae database classified the variant as benign/likely benign; ClinVar (4X, classified as a benign by BIC and GeneDX; likely benign by Ambry Genetics), and UMD (2X as a 3-unclassified variant variant, co-occurring with a pathogenic BRCA2 variant (c.1212delT (p.Asn404LysfsX26), increasing the likelihood that the p.Gln548Gln variant does not have clinical significance). The variant was also identified by our laboratory in 3 individuals with breast, and ovarian cancer including one with a co-occurring pathogenic variant (BRCA2 c.246delA), increasing the likelihood the p.Gln548Gln variant does not have clinical significance. The p.Gln548Gln variant is not expected to have clinical significance because it does not result in a change of amino acid and is not located in a known consensus splice site. However, four out of five in-silico splicing tools predict abolishment of a 3â€šÃ„Ã´ splice site in a region not expected to be involved in splicing, but this information is not very predictive of pathogenicity. In summary, based on the above information, this variant meets our laboratories criteria to be classified as benign.

Literature cited by the submitters: PubMed 18627636 (cited by Women's Health and Genetics/Laboratory Corporation of America, LabCorp); PubMed 14973102 (cited by Women's Health and Genetics/Laboratory Corporation of America, LabCorp); PubMed 25556971 (cited by Women's Health and Genetics/Laboratory Corporation of America, LabCorp); PubMed 30287823 (cited by Women's Health and Genetics/Laboratory Corporation of America, LabCorp); PubMed 30702160 (cited by Women's Health and Genetics/Laboratory Corporation of America, LabCorp); PubMed 28726806 (cited by Women's Health and Genetics/Laboratory Corporation of America, LabCorp); PubMed 28392550 (cited by Women's Health and Genetics/Laboratory Corporation of America, LabCorp).